The following is an entry in ClinVar:

ClinVar aggregate classification (germline): Conflicting classifications of pathogenicity. Review status: criteria provided, conflicting classifications (1 of 4 stars). 2 submissions from 2 submitters: Uncertain significance (1); Likely benign (1). Last evaluated 2024-04-17.

Conditions:
Cardiovascular phenotype. Identifiers: MedGen CN230736.
Progressive familial heart block type IB (PFHB1B). Identifiers: Orphanet 871, MedGen C1970298, MONDO:0011474, OMIM 604559.

Allele frequency attached by ClinVar (database versions not stated): gnomAD exomes below 0.00001; gnomAD 0.00001; TOPMed 0.00001.
gnomAD v4.1: 4 of 1,613,688 alleles (0.00025%); highest among the groups gnomAD compares: Non-Finnish European, 0.00034%; no homozygotes.

Submissions (2):

Labcorp Genetics (formerly Invitae), Labcorp
Classification: Likely benign for Progressive familial heart block type IB. Last evaluated: 2024-04-17. Review status: criteria provided, single submitter. Criteria: Invitae Variant Classification Sherloc (09022015). Collection method: clinical testing. Allele origin: germline.

Ambry Genetics
Classification: Uncertain significance for Cardiovascular phenotype. Last evaluated: 2022-08-25. Review status: criteria provided, single submitter. Criteria: Ambry Variant Classification Scheme 2023. Collection method: clinical testing. Allele origin: germline.
Comment: The c.2805C>T variant (also known as p.F935F), located in coding exon 19 of the TRPM4 gene, results from a C to T substitution at nucleotide position 2805. This nucleotide substitution does not change the phenylalanine at codon 935. This nucleotide position is highly conserved in available vertebrate species. In silico splice site analysis for this alteration is inconclusive. Since supporting evidence is limited at this time, the clinical significance of this alteration remains unclear.

NM_017636.4(TRPM4):c.2805C>T (p.Phe935=)

Gene: TRPM4 (transient receptor potential cation channel subfamily M member 4; plus strand). Cytogenetic location: 19q13.33.
Variant type: single nucleotide variant.
Coding change: c.2805C>T on transcript NM_017636.4 (MANE Select); coding-DNA position 2805, C replaced by T.
Protein change: p.Phe935=; no amino-acid change (phenylalanine 935 retained).
Molecular consequence: synonymous variant.
Genome position (GRCh38, 1-based): chr19:49,200,637, C>T. VCF-style: chr19-49200637-C-T. GRCh37 (hg19) VCF-style: chr19-49703894-C-T.
Other names: c.2370C>T, p.Phe790= (NM_001195227.2); c.2460C>T, p.Phe820= (NM_001321281.2); c.1197C>T, p.Phe399= (NM_001321282.2); c.2283C>T, p.Phe761= (NM_001321283.2); c.1743C>T, p.Phe581= (NM_001321285.2).
Identifiers: ClinVar variation 1796255 (VCV001796255.4), dbSNP rs1008862252, ClinGen allele CA309458410.